The following is an entry in ClinVar:

NM_194277.3(FRMD7):c.383-14T>C

Gene: FRMD7 (FERM domain containing 7; minus strand). Cytogenetic location: Xq26.2.
Variant type: single nucleotide variant.
Coding change: c.383-14T>C on transcript NM_194277.3 (MANE Select); 14 bases into the intron before coding-DNA position 383, T replaced by C.
Molecular consequence: intron variant.
Genome position (GRCh38, 1-based): chrX:132,086,048, A>G on the plus strand (T>C on the coding strand, the complement: FRMD7 is on the minus strand). VCF-style: chrX-132086048-A-G. GRCh37 (hg19) VCF-style: chrX-131220076-A-G.
Other names: c.338-14T>C (NM_001306193.2).
Identifiers: ClinVar variation 914411 (VCV000914411.13), dbSNP rs373900493, ClinGen allele CA10519057.

ClinVar aggregate classification (germline): Benign/Likely benign. Review status: criteria provided, multiple submitters, no conflicts (2 of 4 stars). 3 submissions from 3 submitters: Benign (1); Likely benign (2). Last evaluated 2025-10-13.

Conditions:
Nystagmus 1, congenital, X-linked. Also called: NYSTAGMUS, INFANTILE IDIOPATHIC; NYSTAGMUS 1, INFANTILE, X-LINKED; NYSTAGMUS, CONGENITAL MOTOR, 1; NYSTAGMUS, INFANTILE PERIODIC ALTERNATING, X-LINKED; FRMD7-Related Infantile Nystagmus. Identifiers: MedGen C1839580, MONDO:0010693, OMIM 310700.

Allele frequency attached by ClinVar (database versions not stated): 1000 Genomes Project 30x 0.00021; 1000 Genomes Project 0.00026; gnomAD 0.00043 and 0.00062; ESP Exome Variant Server 0.00047; gnomAD exomes 0.00055 and 0.00070; ExAC 0.00071; TOPMed 0.00077.
gnomAD v4.1: 614 of 1,051,063 alleles (0.058%); highest among the groups gnomAD compares: Middle Eastern, 0.6%; 3 homozygotes.

Submissions (3):

Labcorp Genetics (formerly Invitae), Labcorp
Classification: Benign. Last evaluated: 2025-10-13. Review status: criteria provided, single submitter. Criteria: Invitae Variant Classification Sherloc (09022015). Collection method: clinical testing. Allele origin: germline.

Blueprint Genetics
Classification: Likely benign. Last evaluated: 2024-11-18. Review status: criteria provided, single submitter. Criteria: ACMG Guidelines, 2015. Collection method: clinical testing. Allele origin: germline.

Illumina Laboratory Services, Illumina
Classification: Likely benign for Nystagmus 1, congenital, X-linked. Last evaluated: 2018-01-13. Review status: criteria provided, single submitter. Criteria: ICSL Variant Classification Criteria 13 December 2019. Collection method: clinical testing. Allele origin: germline.
Comment: This variant was observed in the ICSL laboratory as part of a predisposition screen in an ostensibly healthy population. It had not been previously curated by ICSL or reported in the Human Gene Mutation Database (HGMD: prior to June 1st, 2018), and was therefore a candidate for classification through an automated scoring system. Utilizing variant allele frequency, disease prevalence and penetrance estimates, and inheritance mode, an automated score was calculated to assess if this variant is too frequent to cause the disease. Based on the score and internal cut-off values, a variant classified as likely benign is not then subjected to further curation. The score for this variant resulted in a classification of likely benign for this disease.